The following is an entry in ClinVar:

NM_014363.6(SACS):c.2451del (p.Ile818fs)

Gene: SACS (sacsin molecular chaperone; minus strand). Cytogenetic location: 13q12.12.
Variant type: Deletion.
Coding change: c.2451del on transcript NM_014363.6 (MANE Select); coding-DNA position 2451, one base deleted (C; older notation c.2451delC).
Protein change: p.Ile818fs; shifts the reading frame from isoleucine 818.
Molecular consequence: frameshift variant.
Genome position (GRCh38, 1-based): chr13:23,341,425, G deleted on the plus strand (C on the coding strand, the reverse complement: SACS is on the minus strand). VCF-style (leftmost placement, unchanged base first): chr13-23341424-TG-T. GRCh37 (hg19) VCF-style: chr13-23915563-TG-T.
Other names: c.2010del, p.Ile671fs (NM_001278055.2); short protein forms I671fs, I818fs.
Identifiers: ClinVar variation 1435752 (VCV001435752.6), dbSNP rs2137643958, ClinGen allele CA2573149134.

ClinVar aggregate classification (germline): Pathogenic (1 of 4 stars; one submission).

Conditions:
Spastic paraplegia. Identifiers: MedGen C0037772, HP:0001258.

Submission:

Labcorp Genetics (formerly Invitae), Labcorp
Classification: Pathogenic for Spastic paraplegia. Last evaluated: 2023-02-26. Review status: criteria provided, single submitter. Criteria: Invitae Variant Classification Sherloc (09022015). Collection method: clinical testing. Allele origin: germline.
Comment: This sequence change creates a premature translational stop signal (p.Ile818Leufs*8) in the SACS gene. While this is not anticipated to result in nonsense mediated decay, it is expected to disrupt the last 3762 amino acid(s) of the SACS protein. This variant is not present in population databases (gnomAD no frequency). This variant has not been reported in the literature in individuals affected with SACS-related conditions. ClinVar contains an entry for this variant (Variation ID: 1435752). This variant disrupts a region of the SACS protein in which other variant(s) (p.Tyr4538*) have been determined to be pathogenic (Invitae). This suggests that this is a clinically significant region of the protein, and that variants that disrupt it are likely to be disease-causing. For these reasons, this variant has been classified as Pathogenic.